The following is an entry in ClinVar:

NM_000548.5(TSC2):c.4451C>A (p.Ala1484Asp)

Gene: TSC2 (TSC complex subunit 2; plus strand). Cytogenetic location: 16p13.3.
Variant type: single nucleotide variant.
Coding change: c.4451C>A on transcript NM_000548.5 (MANE Select); coding-DNA position 4451, C replaced by A.
Protein change: p.Ala1484Asp; replaces alanine 1484 with aspartic acid.
Molecular consequence: missense variant. On other transcripts: non-coding transcript variant (5).
Genome position (GRCh38, 1-based): chr16:2,084,673, C>A. VCF-style: chr16-2084673-C-A. GRCh37 (hg19) VCF-style: chr16-2134674-C-A.
Other names: c.3851C>A, p.Ala1284Asp (NM_001406680.1); c.3791C>A, p.Ala1264Asp (NM_001406681.1); c.3782C>A, p.Ala1261Asp (NM_001406682.1, NM_001406683.1); c.4232C>A, p.Ala1411Asp (NM_001406676.1); c.4193C>A, p.Ala1398Asp (NM_001406677.1); c.4139C>A, p.Ala1380Asp (NM_001406678.1); c.4103C>A, p.Ala1368Asp (NM_001406679.1); c.3779C>A, p.Ala1260Asp (NM_001406684.1); and 26 more; short protein forms A1260D, A1381D, A1398D, A1417D, A1418D, A1440D, A1448D, A1458D.
Identifiers: ClinVar variation 3329515 (VCV003329515.2).

ClinVar aggregate classification (germline): Uncertain significance. Review status: criteria provided, multiple submitters, no conflicts (2 of 4 stars). 2 submissions from 2 submitters: Uncertain significance (2). Last evaluated 2025-12-20.

Conditions:
Hereditary cancer-predisposing syndrome. Also called: Hereditary Cancer Syndrome; Tumor predisposition; Neoplastic Syndromes, Hereditary; Hereditary neoplastic syndrome. Identifiers: Orphanet 140162, MedGen C0027672, MeSH D009386, MONDO:0015356.
Tuberous sclerosis 2 (TSC2). Identifiers: Orphanet 805, MedGen C1860707, MONDO:0013199, OMIM 613254.

Submissions (2):

Labcorp Genetics (formerly Invitae), Labcorp
Classification: Uncertain significance for Tuberous sclerosis 2. Last evaluated: 2025-12-20. Review status: criteria provided, single submitter. Criteria: Invitae Variant Classification Sherloc (09022015). Collection method: clinical testing. Allele origin: germline.
Comment: This sequence change replaces alanine, which is neutral and non-polar, with aspartic acid, which is acidic and polar, at codon 1484 of the TSC2 protein (p.Ala1484Asp). This variant is not present in population databases (gnomAD no frequency). This variant has not been reported in the literature in individuals affected with TSC2-related conditions. ClinVar contains an entry for this variant (Variation ID: 3329515). Invitae Evidence Modeling of protein sequence and biophysical properties (such as structural, functional, and spatial information, amino acid conservation, physicochemical variation, residue mobility, and thermodynamic stability) indicates that this missense variant is not expected to disrupt TSC2 protein function with a negative predictive value of 95%. In summary, the available evidence is currently insufficient to determine the role of this variant in disease. Therefore, it has been classified as a Variant of Uncertain Significance.

Ambry Genetics
Classification: Uncertain significance for Hereditary cancer-predisposing syndrome. Last evaluated: 2024-05-11. Review status: criteria provided, single submitter. Criteria: Ambry Variant Classification Scheme 2023. Collection method: clinical testing. Allele origin: germline.
Comment: The p.A1484D variant (also known as c.4451C>A), located in coding exon 33 of the TSC2 gene, results from a C to A substitution at nucleotide position 4451. The alanine at codon 1484 is replaced by aspartic acid, an amino acid with dissimilar properties. This amino acid position is conserved. In addition, this alteration is predicted to be deleterious by in silico analysis. Based on the available evidence, the clinical significance of this variant remains unclear.